The following is an entry in ClinVar:

NM_004006.3(DMD):c.5513T>A (p.Ile1838Asn)

Gene: DMD (dystrophin; minus strand). Cytogenetic location: Xp21.1.
Variant type: single nucleotide variant.
Coding change: c.5513T>A on transcript NM_004006.3 (MANE Select); coding-DNA position 5513, T replaced by A.
Protein change: p.Ile1838Asn; replaces isoleucine 1838 with asparagine.
Molecular consequence: missense variant.
Genome position (GRCh38, 1-based): chrX:32,346,016, A>T on the plus strand (T>A on the coding strand, the complement: DMD is on the minus strand). VCF-style: chrX-32346016-A-T. GRCh37 (hg19) VCF-style: chrX-32364133-A-T.
Other names: c.5489T>A, p.Ile1830Asn (NM_000109.4); c.5501T>A, p.Ile1834Asn (NM_004009.3); c.5144T>A, p.Ile1715Asn (NM_004010.3); c.1490T>A, p.Ile497Asn (NM_004011.4); c.1481T>A, p.Ile494Asn (NM_004012.4); short protein forms I1715N, I1830N, I1834N, I1838N, I494N, I497N.
Identifiers: ClinVar variation 4882256 (VCV004882256.2).

ClinVar aggregate classification (germline): Uncertain significance (1 of 4 stars; one submission).

Submission:

Dasa
Classification: Uncertain significance. Last evaluated: 2026-04-24. Review status: criteria provided, single submitter. Criteria: DASA Assertion Criteria. Collection method: clinical testing. Allele origin: germline.
Comment: NM_004006.3(DMD):c.5513T>A (p.Ile1838Asn) is a missense variant that results in the substitution of isoleucine with asparagine. This variant is rare in population databases. The currently available literature and clinical evidence are not sufficient to establish a definitive association between this variant and the reported condition. Therefore, this variant is classified as a variant of uncertain significance.